The following is an entry in ClinVar:

NM_017780.4(CHD7):c.841C>T (p.Gln281Ter)

Gene: CHD7 (chromodomain helicase DNA binding protein 7; plus strand). Cytogenetic location: 8q12.2.
Variant type: single nucleotide variant.
Coding change: c.841C>T on transcript NM_017780.4 (MANE Select); coding-DNA position 841, C replaced by T.
Protein change: p.Gln281Ter; replaces glutamine 281 with a stop codon.
Molecular consequence: nonsense.
Genome position (GRCh38, 1-based): chr8:60,742,273, C>T. VCF-style: chr8-60742273-C-T. GRCh37 (hg19) VCF-style: chr8-61654832-C-T.
Other names: c.841C>T, p.Gln281Ter (NM_001316690.1); short protein forms Q281*.
Identifiers: ClinVar variation 1452920 (VCV001452920.6), dbSNP rs2150579361, ClinGen allele CA371299692.

ClinVar aggregate classification (germline): Pathogenic (1 of 4 stars; one submission).

Conditions:
CHARGE syndrome (CHARGE). Also called: Coloboma, heart anomaly, choanal atresia, retardation, genital and ear anomalies; CHARGE association; Hall-Hittner syndrome; Hittner Hirsch Kreh syndrome; CHARGE ASSOCIATION--COLOBOMA, HEART ANOMALY, CHOANAL ATRESIA, RETARDATION, GENITAL AND EAR ANOMALIES. Identifiers: Orphanet 138, MedGen C0265354, MONDO:0008965.

Submission:

Labcorp Genetics (formerly Invitae), Labcorp
Classification: Pathogenic for CHARGE syndrome. Last evaluated: 2021-12-03. Review status: criteria provided, single submitter. Criteria: Invitae Variant Classification Sherloc (09022015). Collection method: clinical testing. Allele origin: germline.
Comment: This variant is not present in population databases (gnomAD no frequency). This sequence change creates a premature translational stop signal (p.Gln281*) in the CHD7 gene. It is expected to result in an absent or disrupted protein product. Loss-of-function variants in CHD7 are known to be pathogenic (PMID: 22461308, 25077900). This variant has not been reported in the literature in individuals affected with CHD7-related conditions. For these reasons, this variant has been classified as Pathogenic.

Literature cited by the submitters: PubMed 22461308; PubMed 25077900.